The following is an entry in ClinVar:

ClinVar aggregate classification (germline): Likely benign. Review status: criteria provided, single submitter (1 of 4 stars). 2 submissions from 2 submitters: Likely benign (1). 1 of the submissions does not count toward it. Last evaluated 2025-03-06.

Conditions:
CFI-related disorder. Also called: CFI-related disorders; CFI-related condition. Identifiers: MedGen CN239325.

Allele frequency attached by ClinVar (database versions not stated): gnomAD exomes 0.00001.
gnomAD v4.1: 3 of 1,612,824 alleles (0.00019%); highest among the groups gnomAD compares: East Asian, 0.0045%; no homozygotes.

Submissions (2):

Labcorp Genetics (formerly Invitae), Labcorp
Classification: Likely benign. Last evaluated: 2025-03-06. Review status: criteria provided, single submitter. Criteria: Invitae Variant Classification Sherloc (09022015). Collection method: clinical testing. Allele origin: germline.

PreventionGenetics, part of Exact Sciences
Classification: Likely benign for CFI-related condition. Last evaluated: 2023-11-02. Review status: no assertion criteria provided. Collection method: clinical testing. Allele origin: germline. Not counted in ClinVar's aggregate classification.
Comment: This variant is classified as likely benign based on ACMG/AMP sequence variant interpretation guidelines (Richards et al. 2015 PMID: 25741868, with internal and published modifications).

NM_000204.5(CFI):c.1045-5T>C

Gene: CFI (complement factor I; minus strand). Cytogenetic location: 4q25.
Variant type: single nucleotide variant.
Coding change: c.1045-5T>C on transcript NM_000204.5 (MANE Select); 5 bases into the intron before coding-DNA position 1045, T replaced by C.
Molecular consequence: intron variant.
Genome position (GRCh38, 1-based): chr4:109,749,326, A>G on the plus strand (T>C on the coding strand, the complement: CFI is on the minus strand). VCF-style: chr4-109749326-A-G. GRCh37 (hg19) VCF-style: chr4-110670482-A-G.
Other names: c.1024-5T>C (NM_001375282.1, NM_001375280.1, NM_001331035.2); c.1045-5T>C (NM_001375281.1, NM_001375279.1); c.1069-5T>C (NM_001375278.1, NM_001318057.2); c.436-5T>C (NM_001375284.1); c.988-5T>C (NM_001375283.1).
Identifiers: ClinVar variation 3061740 (VCV003061740.3), dbSNP rs2545386801, ClinGen allele CA2578167557.